The following is an entry in ClinVar:

NM_002907.4(RECQL):c.88G>A (p.Glu30Lys)

Gene: RECQL (RecQ like helicase; minus strand). Cytogenetic location: 12p12.1.
Variant type: single nucleotide variant.
Coding change: c.88G>A on transcript NM_002907.4 (MANE Select); coding-DNA position 88, G replaced by A.
Protein change: p.Glu30Lys; replaces glutamic acid 30 with lysine.
Molecular consequence: missense variant.
Genome position (GRCh38, 1-based): chr12:21,491,645, C>T on the plus strand (G>A on the coding strand, the complement: RECQL is on the minus strand). VCF-style: chr12-21491645-C-T. GRCh37 (hg19) VCF-style: chr12-21644579-C-T.
Other names: c.88G>A, p.Glu30Lys (NM_032941.3); short protein forms E30K.
Identifiers: ClinVar variation 3613316 (VCV003613316.2).

ClinVar aggregate classification (germline): Uncertain significance (1 of 4 stars; one submission).

Submission:

Labcorp Genetics (formerly Invitae), Labcorp
Classification: Uncertain significance. Last evaluated: 2024-06-29. Review status: criteria provided, single submitter. Criteria: Invitae Variant Classification Sherloc (09022015). Collection method: clinical testing. Allele origin: germline.
Comment: This sequence change replaces glutamic acid, which is acidic and polar, with lysine, which is basic and polar, at codon 30 of the RECQL protein (p.Glu30Lys). This variant is not present in population databases (gnomAD no frequency). This variant has not been reported in the literature in individuals affected with RECQL-related conditions. An algorithm developed to predict the effect of missense changes on protein structure and function (PolyPhen-2) suggests that this variant is likely to be disruptive. In summary, the available evidence is currently insufficient to determine the role of this variant in disease. Therefore, it has been classified as a Variant of Uncertain Significance.